The following is an entry in ClinVar:

NM_001020658.2(PUM1):c.14G>A (p.Cys5Tyr)

Gene: PUM1 (pumilio RNA binding family member 1; minus strand). Cytogenetic location: 1p35.2.
Variant type: single nucleotide variant.
Coding change: c.14G>A on transcript NM_001020658.2 (MANE Select); coding-DNA position 14, G replaced by A.
Protein change: p.Cys5Tyr; replaces cysteine 5 with tyrosine.
Molecular consequence: missense variant.
Genome position (GRCh38, 1-based): chr1:31,059,553, C>T on the plus strand (G>A on the coding strand, the complement: PUM1 is on the minus strand). VCF-style: chr1-31059553-C-T. GRCh37 (hg19) VCF-style: chr1-31532400-C-T.
Other names: c.14G>A, p.Cys5Tyr (NM_014676.3); short protein forms C5Y.
Identifiers: ClinVar variation 4881764 (VCV004881764.2).

ClinVar aggregate classification (germline): Uncertain significance (1 of 4 stars; one submission).

Submission:

Dasa
Classification: Uncertain significance. Last evaluated: 2026-03-27. Review status: criteria provided, single submitter. Criteria: DASA Assertion Criteria. Collection method: clinical testing. Allele origin: germline.
Comment: NM_001020658.2(PUM1):c.14G>A (p.Cys5Tyr) is a missense variant that results in the substitution of cysteine with tyrosine. This variant is rare in population databases. The currently available literature and clinical evidence are not sufficient to establish a definitive association between this variant and the reported condition. Therefore, this variant is classified as a variant of uncertain significance.